The following is an entry in ClinVar:

NM_001122772.3(AGAP2):c.2346C>T (p.Pro782=)

Gene: AGAP2 (ArfGAP with GTPase domain, ankyrin repeat and PH domain 2; minus strand). Cytogenetic location: 12q14.1.
Variant type: single nucleotide variant.
Coding change: c.2346C>T on transcript NM_001122772.3 (MANE Select); coding-DNA position 2346, C replaced by T.
Protein change: p.Pro782=; no amino-acid change (proline 782 retained).
Molecular consequence: synonymous variant.
Genome position (GRCh38, 1-based): chr12:57,730,577, G>A on the plus strand (C>T on the coding strand, the complement: AGAP2 is on the minus strand). VCF-style: chr12-57730577-G-A. GRCh37 (hg19) VCF-style: chr12-58124360-G-A.
Other names: c.1338C>T, p.Pro446= (NM_014770.4).
Identifiers: ClinVar variation 3039943 (VCV003039943.2), dbSNP rs148450672, ClinGen allele CA6656846.

ClinVar aggregate classification (germline): Likely benign (0 of 4 stars; one submission).

Conditions:
AGAP2-related disorder. Also called: AGAP2-related condition.

Allele frequency attached by ClinVar (database versions not stated): ExAC 0.00056; 1000 Genomes Project 0.00180; 1000 Genomes Project 30x 0.00203; ESP Exome Variant Server 0.00231.

Submission:

PreventionGenetics, part of Exact Sciences
Classification: Likely benign for AGAP2-related condition. Last evaluated: 2019-10-28. Review status: no assertion criteria provided. Collection method: clinical testing. Allele origin: germline.
Comment: This variant is classified as likely benign based on ACMG/AMP sequence variant interpretation guidelines (Richards et al. 2015 PMID: 25741868, with internal and published modifications).